The following is an entry in ClinVar:

ClinVar aggregate classification (germline): Likely pathogenic. Review status: criteria provided, multiple submitters, no conflicts (2 of 4 stars). 4 submissions from 4 submitters: Likely pathogenic (4). Last evaluated 2025-12-11.

Conditions:
PDE6A-related disorder. Also called: PDE6A-related condition.
Retinitis pigmentosa 43 (RP43). Identifiers: Orphanet 791, MedGen C3151139, MONDO:0013437, OMIM 613810.

Allele frequency attached by ClinVar (database versions not stated): gnomAD exomes below 0.00001 and 0.00002; TOPMed 0.00001; gnomAD 0.00002.

Submissions (4):

PreventionGenetics, part of Exact Sciences
Classification: Likely pathogenic for PDE6A-related condition. Last evaluated: 2025-12-11. Review status: criteria provided, single submitter. Criteria: ACMG Guidelines, 2015. Collection method: clinical testing. Allele origin: germline.
Comment: The PDE6A c.2T>C variant is predicted to disrupt the translation initiation site (Start loss). To our knowledge, this variant has not been reported in the literature in association with disease. An alternate nucleotide substitution that also affects the start codon (c.1A>G) has been reported along with a PDE6A frameshift variant in an individual with retinal disease (Table S1, Jespersgaard et al. 2019. PubMed ID: 30718709). This variant is present in 0.0017% of alleles in individuals of European (Non-Finnish) descent in gnomAD, and has been reported in a carrier screen of the general population (Hanany et al. 2020. PubMed ID: 31964843). This variant is interpreted as likely pathogenic.

Labcorp Genetics (formerly Invitae), Labcorp
Classification: Likely pathogenic. Last evaluated: 2025-01-20. Review status: criteria provided, single submitter. Criteria: Invitae Variant Classification Sherloc (09022015). Collection method: clinical testing. Allele origin: germline.
Comment: This sequence change affects the initiator methionine of the PDE6A mRNA. The next in-frame methionine is located at codon 55. This variant is present in population databases (no rsID available, gnomAD 0.007%). Disruption of the initiator codon has been observed in individuals with clinical features of retinitis pigmentosa (PMID: 30718709). ClinVar contains an entry for this variant (Variation ID: 1037370). Experimental studies and prediction algorithms are not available or were not evaluated, and the functional significance of this variant is currently unknown. This variant disrupts a region of the PDE6A protein in which other variant(s) (p.Arg29Trp) have been observed in individuals with PDE6A-related conditions (PMID: 30902645). This suggests that this is a clinically significant region of the protein, and that variants that disrupt it are likely to be disease-causing. In summary, the currently available evidence indicates that the variant is pathogenic, but additional data are needed to prove that conclusively. Therefore, this variant has been classified as Likely Pathogenic.

Fulgent Genetics
Classification: Likely pathogenic for Retinitis pigmentosa 43. Last evaluated: 2024-01-24. Review status: criteria provided, single submitter. Criteria: ACMG Guidelines, 2015. Collection method: clinical testing. Allele origin: germline.

Blueprint Genetics
Classification: Likely pathogenic for PDE6A-related disorders. Last evaluated: 2021-11-03. Review status: criteria provided, single submitter. Criteria: ACMG Guidelines, 2015. Collection method: clinical testing. Allele origin: germline. Affected: yes. Observed: 3 variant alleles.

Literature cited by the submitters: PubMed 30718709 (cited by Labcorp Genetics (formerly Invitae), Labcorp); PubMed 30902645 (cited by Labcorp Genetics (formerly Invitae), Labcorp).

NM_000440.3(PDE6A):c.2T>C (p.Met1Thr)

Gene: PDE6A (phosphodiesterase 6A; minus strand). Cytogenetic location: 5q32.
Variant type: single nucleotide variant.
Coding change: c.2T>C on transcript NM_000440.3 (MANE Select); coding-DNA position 2, T replaced by C.
Protein change: p.Met1Thr; changes the start codon (methionine 1).
Molecular consequence: missense variant, initiator codon variant.
Genome position (GRCh38, 1-based): chr5:149,944,672, A>G on the plus strand (T>C on the coding strand, the complement: PDE6A is on the minus strand). VCF-style: chr5-149944672-A-G. GRCh37 (hg19) VCF-style: chr5-149324235-A-G.
Other names: short protein forms M1T.
Identifiers: ClinVar variation 1037370 (VCV001037370.13), dbSNP rs943943635, ClinGen allele CA129059540.